The following is an entry in ClinVar:

NM_025137.4(SPG11):c.5258C>A (p.Ser1753Ter)

Genes: SPG11 (SPG11 vesicle trafficking associated, spatacsin; minus strand), LOC130056971 (ATAC-STARR-seq lymphoblastoid silent region 6398; plus strand). Cytogenetic location: 15q21.1.
Variant type: single nucleotide variant.
Coding change: c.5258C>A on transcript NM_025137.4 (MANE Select); coding-DNA position 5258, C replaced by A.
Protein change: p.Ser1753Ter; replaces serine 1753 with a stop codon.
Molecular consequence: nonsense. On other transcripts: intron variant (1).
Genome position (GRCh38, 1-based): chr15:44,584,422, G>T on the plus strand (C>A on the coding strand, the complement: SPG11 is on the minus strand). VCF-style: chr15-44584422-G-T. GRCh37 (hg19) VCF-style: chr15-44876620-G-T.
Other names: c.5258C>A, p.Ser1753Ter (NM_001160227.2); c.5122-8C>A (NM_001411132.1); short protein forms S1753*.
Identifiers: ClinVar variation 2756952 (VCV002756952.3), dbSNP rs2082716347, ClinGen allele CA392222940.

ClinVar aggregate classification (germline): Pathogenic (1 of 4 stars; one submission).

Conditions:
Hereditary spastic paraplegia 11. Also called: SPASTIC PARAPLEGIA, AUTOSOMAL RECESSIVE, COMPLICATED, WITH THIN CORPUS CALLOSUM; SPASTIC PARAPLEGIA, AUTOSOMAL RECESSIVE, WITH MENTAL IMPAIRMENT AND THIN CORPUS CALLOSUM; Nakamura Osame syndrome; Autosomal recessive hereditary spastic paraplegia, mental impairment, and thin corpus callosum; Spastic Paraplegia 11; Spastic paraplegia, mental retardation and thin corpus callosum. Identifiers: Orphanet 2822, MedGen C1858479, MONDO:0011445, OMIM 604360.

Submission:

Labcorp Genetics (formerly Invitae), Labcorp
Classification: Pathogenic for Hereditary spastic paraplegia 11. Last evaluated: 2023-09-08. Review status: criteria provided, single submitter. Criteria: Invitae Variant Classification Sherloc (09022015). Collection method: clinical testing. Allele origin: germline.
Comment: This sequence change creates a premature translational stop signal (p.Ser1753*) in the SPG11 gene. It is expected to result in an absent or disrupted protein product. Loss-of-function variants in SPG11 are known to be pathogenic (PMID: 19105190, 20110243, 22154821, 26556829). This variant is not present in population databases (gnomAD no frequency). For these reasons, this variant has been classified as Pathogenic. This variant has not been reported in the literature in individuals affected with SPG11-related conditions.

Literature cited by the submitters: PubMed 19105190; PubMed 20110243; PubMed 22154821; PubMed 26556829.